The following is an entry in ClinVar:

ClinVar aggregate classification (germline): Uncertain significance. Review status: reviewed by expert panel (3 of 4 stars). 6 submissions from 6 submitters: Uncertain significance (1). 5 of the submissions do not count toward it. Last evaluated 2024-02-15.

Conditions:
Inborn genetic diseases. Identifiers: MedGen C0950123, MeSH D030342.
Athabaskan severe combined immunodeficiency (SCIDA). Also called: Severe combined immunodeficiency, athabascan-type. Identifiers: MedGen C1865370.
Severe combined immunodeficiency due to DCLRE1C deficiency (RS-SCID). Also called: SCID, AUTOSOMAL RECESSIVE, T CELL-NEGATIVE, B CELL-NEGATIVE, NK CELL-POSITIVE, WITH SENSITIVITY TO IONIZING RADIATION. Identifiers: Orphanet 275, MedGen C1865371, MONDO:0011225, OMIM 602450.

Allele frequency attached by ClinVar (database versions not stated): ExAC 0.00002; gnomAD 0.00001.

Submissions (6):

ClinGen Severe Combined Immunodeficiency Variant Curation Expert Panel, ClinGen
Classification: Uncertain significance for Severe combined immunodeficiency due to DCLRE1C deficiency. Last evaluated: 2024-02-15. Review status: reviewed by expert panel. Criteria: ClinGen SCID ACMG Specifications DCLRE1C V1.0.0. Collection method: curation. Allele origin: germline. Inheritance: Autosomal recessive inheritance.
Comment: The c.251C>G (NM_001033855.3) variant in DCLRE1C is a missense variant predicted to cause substitution of Serine by Cysteine at amino acid 84 (p.Ser84Cys). The filtering allele frequency (the upper threshold of the 95% CI of 2/74366) of the c.251C>G variant in DCLRE1C is 0.00001005 for African (African American) chromosomes by gnomAD v4, which is lower than the ClinGen SCID VCEP threshold (<0.00003266) for PM2_Supporting, and therefore meets this criterion (PM2_Supporting). No homozygotes have been observed in gnomAD v4. To our knowledge, this variant has not been reported in the literature in individuals affected with DCLRE1C-related conditions or in functional studies. In summary, this variant meets the criteria to be classified as a variant of uncertain significance for autosomal recessive severe combined immunodeficiency due to DCLRE1C deficiency based on the ACMG/AMP criteria applied, as specified by the ClinGen SCID VCEP: PM2_Supporting (VCEP specifications version 1).

Ambry Genetics
Classification: Uncertain significance for Inborn genetic diseases. Last evaluated: 2025-08-05. Review status: criteria provided, single submitter. Criteria: Ambry Variant Classification Scheme 2023. Collection method: clinical testing. Allele origin: germline. Not counted in ClinVar's aggregate classification.

Blueprint Genetics
Classification: Uncertain significance. Last evaluated: 2024-02-29. Review status: criteria provided, single submitter. Criteria: ACMG Guidelines, 2015. Collection method: clinical testing. Allele origin: germline. Not counted in ClinVar's aggregate classification.

Labcorp Genetics (formerly Invitae), Labcorp
Classification: Uncertain significance for Athabaskan severe combined immunodeficiency. Last evaluated: 2022-09-26. Review status: criteria provided, single submitter. Criteria: Invitae Variant Classification Sherloc (09022015). Collection method: clinical testing. Allele origin: germline. Not counted in ClinVar's aggregate classification.
Comment: This sequence change replaces serine, which is neutral and polar, with cysteine, which is neutral and slightly polar, at codon 84 of the DCLRE1C protein (p.Ser84Cys). This variant is present in population databases (rs747849702, gnomAD 0.004%). This variant has not been reported in the literature in individuals affected with DCLRE1C-related conditions. ClinVar contains an entry for this variant (Variation ID: 633185). Advanced modeling of protein sequence and biophysical properties (such as structural, functional, and spatial information, amino acid conservation, physicochemical variation, residue mobility, and thermodynamic stability) performed at Invitae indicates that this missense variant is not expected to disrupt DCLRE1C protein function. In summary, the available evidence is currently insufficient to determine the role of this variant in disease. Therefore, it has been classified as a Variant of Uncertain Significance.

Women's Health and Genetics/Laboratory Corporation of America, LabCorp
Classification: Uncertain significance. Last evaluated: 2018-09-18. Review status: criteria provided, single submitter. Criteria: LabCorp Variant Classification Summary - May 2015. Collection method: clinical testing. Allele origin: germline. Not counted in ClinVar's aggregate classification.
Comment: Variant summary: DCLRE1C c.251C>G (p.Ser84Cys) results in a non-conservative amino acid change located in the Metallo-beta-lactamase domain of the encoded protein sequence. Three of five in-silico tools predict a damaging effect of the variant on protein function. The variant allele was found at a frequency of 1.6e-05 in 244522 control chromosomes (gnomAD). The available data on variant occurrences in the general population are insufficient to allow any conclusion about variant significance. A poster abstract reports the variant in a patient presenting with hypogammaglobulinemia and recurrent infections (Rampur_2016). To our knowledge, no experimental evidence demonstrating an impact on protein function has been reported. A ClinVar submission from a clinical diagnostic laboratory (evaluation after 2014) cites the variant as uncertain significance. Based on the evidence outlined above, the variant was classified as uncertain significance.

Natera, Inc.
Classification: Uncertain significance for Athabascan severe combined immunodeficiency. Last evaluated: 2020-09-15. Review status: no assertion criteria provided. Collection method: clinical testing. Allele origin: germline. Not counted in ClinVar's aggregate classification.

NM_001033855.3(DCLRE1C):c.251C>G (p.Ser84Cys)

Gene: DCLRE1C (DNA cross-link repair 1C; minus strand). Cytogenetic location: 10p13.
Variant type: single nucleotide variant.
Coding change: c.251C>G on transcript NM_001033855.3 (MANE Select); coding-DNA position 251, C replaced by G.
Protein change: p.Ser84Cys; replaces serine 84 with cysteine.
Molecular consequence: missense variant. On other transcripts: 5 prime UTR variant (9), non-coding transcript variant (4).
Genome position (GRCh38, 1-based): chr10:14,939,865, G>C on the plus strand (C>G on the coding strand, the complement: DCLRE1C is on the minus strand). VCF-style: chr10-14939865-G-C. GRCh37 (hg19) VCF-style: chr10-14981864-G-C.
Other names: NM_001033855.3(DCLRE1C):c.251C>G; p.Ser84Cys; c.-110C>G (NM_001033857.3, NM_001033858.3, NM_001289077.2 and 2 more transcripts); c.-39C>G (NM_001289076.2, NM_001289078.2, NM_001350966.2 and 1 more transcripts); c.251C>G, p.Ser84Cys (NM_001350965.2); short protein forms S84C.
Identifiers: ClinVar variation 633185 (VCV000633185.6), dbSNP rs747849702, ClinGen allele CA5416940.